The following is an entry in ClinVar:

NM_004006.2(DMD):c.-128163A>G

Gene: DMD (dystrophin; minus strand). Cytogenetic location: Xp21.1.
Variant type: single nucleotide variant.
Coding change: c.-128163A>G on transcript NM_004006.2; 128163 bases upstream of the start codon, A replaced by G.
Genome position (GRCh38, 1-based): chrX:33,339,475, T>C on the plus strand (A>G on the coding strand, the complement: DMD is on the minus strand). VCF-style: chrX-33339475-T-C. GRCh37 (hg19) VCF-style: chrX-33357592-T-C.
Identifiers: ClinVar variation 673844 (VCV000673844.4), dbSNP rs5927163, ClinGen allele CA147796.
Genomic context (GRCh38, chrX:33,339,475, plus strand): 5'-TGAATTCCAACAGCTCCCCTTTCGCATGATTCAAGTTAGGTTAGGTGGGCATGCCTAACA[T>C]GATTCTTTCAGTCATTTATTATGCAGCTGCTACAACGTCGGTGTGGTAACCACTCTGACT-3'

ClinVar aggregate classification (germline): Benign. Review status: criteria provided, multiple submitters, no conflicts (2 of 4 stars). 2 submissions from 2 submitters: Benign (2). Last evaluated 2018-06-14.

Allele frequency attached by ClinVar (database versions not stated): 1000 Genomes Project 0.01669; 1000 Genomes Project 30x 0.01831; TOPMed 0.03627; gnomAD 0.03689 and 0.03729; gnomAD exomes 0.04426.

Submissions (2):

GeneDx
Classification: Benign. Last evaluated: 2018-06-14. Review status: criteria provided, single submitter. Criteria: GeneDx Variant Classification (06012015). Collection method: clinical testing. Allele origin: germline. Affected: yes.
Comment: This variant is considered likely benign or benign based on one or more of the following criteria: it is a conservative change, it occurs at a poorly conserved position in the protein, it is predicted to be benign by multiple in silico algorithms, and/or has population frequency not consistent with disease.

Breakthrough Genomics
Classification: Benign. Review status: criteria provided, single submitter. Criteria: ACMG Guidelines, 2015. Collection method: not provided. Allele origin: germline. Inheritance: X-linked inheritance. Affected: yes.